The following is an entry in ClinVar:

NM_014141.6(CNTNAP2):c.2096dup (p.Asp700fs)

Gene: CNTNAP2 (contactin associated protein 2; plus strand). Cytogenetic location: 7q35.
Variant type: Duplication.
Coding change: c.2096dup on transcript NM_014141.6 (MANE Select); coding-DNA position 2096, one base duplicated (C; older notation c.2096dupC).
Protein change: p.Asp700fs; shifts the reading frame from aspartic acid 700.
Molecular consequence: frameshift variant.
Genome position (GRCh38, 1-based): chr7:147,639,304, C duplicated; the last of 4 consecutive C bases (chr7:147,639,301-147,639,304); duplicating any one gives the same sequence. VCF-style (leftmost placement, unchanged base first): chr7-147639300-A-AC. GRCh37 (hg19) VCF-style: chr7-147336392-A-AC.
Other names: short protein forms D700fs.
Identifiers: ClinVar variation 422174 (VCV000422174.2), dbSNP rs1554416016, ClinGen allele CA16618382.

ClinVar aggregate classification (germline): Likely pathogenic (1 of 4 stars; one submission).

Submission:

GeneDx
Classification: Likely pathogenic. Last evaluated: 2016-09-15. Review status: criteria provided, single submitter. Criteria: GeneDx Variant Classification (06012015). Collection method: clinical testing. Allele origin: germline. Affected: yes.
Comment: A novel c.2096dupC variant that is likely pathogenic has been identified in the CNTNAP2 gene. The c.2096dupC variant has not been published as a pathogenic variant, nor has it been reported as a benign variant to our knowledge. It was not observed in approximately 6,500 individuals of European and African American ancestry in the NHLBI Exome Sequencing Project, indicating it is not a common benign variant in these populations. The c.2096dupC variant in the CNTNAP2 gene causes a frameshift starting with codon Aspartic acid 700, changes this amino acid to an Arginine residue and creates a premature Stop codon at position 45 of the new reading frame, denoted p.Asp700ArgfsX45. The c.2096dupC variant is predicted to cause loss of normal protein function either through protein truncation or nonsense-mediated mRNA decay. Although this likely pathogenic variant has not been previously reported to our knowledge, other loss of function variants have been reported downstream of the c.2096dupC variant. Therefore, this variant is likely pathogenic; however, the possibility that it is benign cannot be excluded.